The following is an entry in ClinVar:

NM_001371596.2(MFSD8):c.738dup (p.Ile247fs)

Gene: MFSD8 (major facilitator superfamily domain containing 8; minus strand). Cytogenetic location: 4q28.2.
Variant type: Duplication.
Coding change: c.738dup on transcript NM_001371596.2 (MANE Select); coding-DNA position 738, one base duplicated (T; older notation c.738dupT).
Protein change: p.Ile247fs; shifts the reading frame from isoleucine 247.
Molecular consequence: frameshift variant. On other transcripts: intron variant (3).
Genome position (GRCh38, 1-based): chr4:127,938,799, A duplicated on the plus strand (T on the coding strand, the reverse complement: MFSD8 is on the minus strand). VCF-style (leftmost placement, unchanged base first): chr4-127938798-T-TA. GRCh37 (hg19) VCF-style: chr4-128859953-T-TA.
Other names: c.603dup, p.Ile202fs (NM_001371590.2); c.738dup, p.Ile247fs (NM_001371591.2, NM_152778.4); c.744dup, p.Ile249fs (NM_001371592.2); c.624dup, p.Ile209fs (NM_001371593.2, NM_001410766.1); c.591dup, p.Ile198fs (NM_001371594.2); c.456dup, p.Ile153fs (NM_001371595.1); c.304+4953dup (NM_001410765.1); c.439+4953dup (NM_001363521.3); and 1 more; short protein forms I247fs, I153fs, I198fs, I209fs, I202fs, I249fs.
Identifiers: ClinVar variation 2101448 (VCV002101448.4), dbSNP rs2546127084, ClinGen allele CA2580071510.

ClinVar aggregate classification (germline): Pathogenic (1 of 4 stars; one submission).

Conditions:
Neuronal ceroid lipofuscinosis 7 (CLN7). Also called: MFSD8-Related Neuronal Ceroid-Lipofuscinosis. Identifiers: Orphanet 168491, Orphanet 228366, MedGen C1838571, MONDO:0012588, OMIM 610951.

Submission:

Labcorp Genetics (formerly Invitae), Labcorp
Classification: Pathogenic for Neuronal ceroid lipofuscinosis 7. Last evaluated: 2022-02-22. Review status: criteria provided, single submitter. Criteria: Invitae Variant Classification Sherloc (09022015). Collection method: clinical testing. Allele origin: germline.
Comment: For these reasons, this variant has been classified as Pathogenic. This variant has not been reported in the literature in individuals affected with MFSD8-related conditions. This variant is not present in population databases (gnomAD no frequency). This sequence change creates a premature translational stop signal (p.Ile247Tyrfs*2) in the MFSD8 gene. It is expected to result in an absent or disrupted protein product. Loss-of-function variants in MFSD8 are known to be pathogenic (PMID: 19177532, 25227500, 28586915).

Literature cited by the submitters: PubMed 19177532; PubMed 25227500; PubMed 28586915.